The following is an entry in ClinVar:

ClinVar aggregate classification (germline): Pathogenic (1 of 4 stars; one submission).

Conditions:
Hereditary sensory and autonomic neuropathy type 6. Also called: HSAN VI; Neuropathy, hereditary sensory and autonomic, type VI. Identifiers: Orphanet 314381, MedGen C3539003, MONDO:0013839, OMIM 614653.
Epidermolysis bullosa simplex 3, localized or generalized intermediate, with BP230 deficiency (EBS3). Also called: Epidermolysis bullosa simplex, autosomal recessive 2; Epidermolysis bullosa simplex due to BP230 deficiency. Identifiers: Orphanet 412181, MedGen C3809470, MONDO:0014180, OMIM 615425.

Submission:

Labcorp Genetics (formerly Invitae), Labcorp
Classification: Pathogenic for Epidermolysis bullosa simplex 3, localized or generalized intermediate, with BP230 deficiency; Hereditary sensory and autonomic neuropathy type 6. Last evaluated: 2025-01-06. Review status: criteria provided, single submitter. Criteria: Invitae Variant Classification Sherloc (09022015). Collection method: clinical testing. Allele origin: germline.
Comment: This sequence change creates a premature translational stop signal (p.Glu1518Aspfs*12) in the DST gene. It is expected to result in an absent or disrupted protein product. Loss-of-function variants in DST are known to be pathogenic (PMID: 22522446, 25059916, 30371979). This variant is present in population databases (rs748899221, gnomAD 0.01%). This variant has not been reported in the literature in individuals affected with DST-related conditions. ClinVar contains an entry for this variant (Variation ID: 541432). For these reasons, this variant has been classified as Pathogenic.

Literature cited by the submitters: PubMed 22522446; PubMed 25059916; PubMed 30371979.

NM_001723.7(DST):c.4554_4557del (p.Glu1518fs)

Gene: DST (dystonin; minus strand). Cytogenetic location: 6p12.1.
Variant type: Deletion.
Coding change: c.4554_4557del on transcript NM_001723.7 (MANE Plus Clinical); coding-DNA positions 4554 to 4557, 4 bases deleted (AAGA; older notation c.4554_4557delAAGA).
Protein change: p.Glu1518fs; shifts the reading frame from glutamic acid 1518.
Molecular consequence: frameshift variant. On other transcripts: intron variant (10).
Genome position (GRCh38, 1-based): chr6:56,619,477-56,619,480, TCTT deleted on the plus strand (AAGA on the coding strand, the reverse complement: DST is on the minus strand); deleting any 4 consecutive bases within chr6:56,619,477-56,619,483 gives the same sequence; the c. name uses the placement nearest the transcript's 3' end. VCF-style (leftmost placement, unchanged base first): chr6-56619476-GTCTT-G. GRCh37 (hg19) VCF-style: chr6-56484274-GTCTT-G.
Other names: c.4831-4996_4831-4993del (NM_001144769.5); c.4930-4996_4930-4993del (NM_001374722.1, NM_001374736.1); c.4957-4996_4957-4993del (NM_001374734.1); c.4417-4996_4417-4993del (NM_001144770.2); c.4297-4996_4297-4993del (NM_001374730.1, NM_001386100.1, NM_183380.4 and 1 more transcripts); c.3319-4996_3319-4993del (NM_015548.5); short protein forms E1518fs.
Identifiers: ClinVar variation 541432 (VCV000541432.7), dbSNP rs748899221, ClinGen allele CA3870509.